The following is an entry in ClinVar:

NM_004364.5(CEBPA):c.1034T>C (p.Leu345Pro)

Gene: CEBPA (CCAAT enhancer binding protein alpha; minus strand). Cytogenetic location: 19q13.11.
Variant type: single nucleotide variant.
Coding change: c.1034T>C on transcript NM_004364.5 (MANE Select); coding-DNA position 1034, T replaced by C.
Protein change: p.Leu345Pro; replaces leucine 345 with proline.
Molecular consequence: missense variant.
Genome position (GRCh38, 1-based): chr19:33,301,381, A>G on the plus strand (T>C on the coding strand, the complement: CEBPA is on the minus strand). VCF-style: chr19-33301381-A-G. GRCh37 (hg19) VCF-style: chr19-33792287-A-G.
Other names: c.677T>C, p.Leu226Pro (NM_001285829.2); c.1139T>C, p.Leu380Pro (NM_001287424.2); c.992T>C, p.Leu331Pro (NM_001287435.2); short protein forms L226P, L331P, L345P, L380P.
Identifiers: ClinVar variation 4813154 (VCV004813154.2).

ClinVar aggregate classification (germline): Uncertain significance. Review status: criteria provided, multiple submitters, no conflicts (2 of 4 stars). 2 submissions from 2 submitters: Uncertain significance (2). Last evaluated 2026-02-11.

Conditions:
Acute myeloid leukemia (AML). Also called: Acute myeloid leukemia, adult; AML adult; Acute non-lymphocytic leukemia; Acute granulocytic leukemia; Leukemia, acute myeloid, somatic; Leukemia, acute myelogenous, somatic. Identifiers: Orphanet 519, MedGen C0023467, MeSH D015470, MONDO:0018874, OMIM 601626, HP:0004808. Disease mechanism: Constitutively activated FLT3.
Inborn genetic diseases. Identifiers: MedGen C0950123, MeSH D030342.

gnomAD v4.1: 18 of 1,608,326 alleles (0.0011%); highest among the groups gnomAD compares: Admixed American, 0.0067%; no homozygotes.

Submissions (2):

St. Jude Molecular Pathology, St. Jude Children's Research Hospital
Classification: Uncertain significance for Acute myeloid leukemia. Last evaluated: 2026-02-11. Review status: criteria provided, single submitter. Criteria: St. Jude Assertion Criteria 2020. Collection method: clinical testing. Allele origin: germline.
Comment: The CEBPA c.1034T>C p.(Leu345Pro) missense change has a maximum subpopulation frequency of 0.0058% in gnomAD v2.1.1. The in silico tool REVEL predicts a deleterious effect on protein function, but to our knowledge this prediction has not been confirmed by functional studies. This variant was reported in somatic tissue of individuals with myeloid malignancies (PMID: 37586297). In summary, the evidence currently available is insufficient to determine the clinical significance of this variant. It has therefore been classified as of uncertain significance.

Ambry Genetics
Classification: Uncertain significance for Inborn genetic diseases. Last evaluated: 2025-12-22. Review status: criteria provided, single submitter. Criteria: Ambry Variant Classification Scheme 2023. Collection method: clinical testing. Allele origin: germline.
Comment: The p.L345P variant (also known as c.1034T>C), located in coding exon 1 of the CEBPA gene, results from a T to C substitution at nucleotide position 1034. The leucine at codon 345 is replaced by proline, an amino acid with similar properties. This amino acid position is conserved. In addition, this alteration is predicted to be deleterious by in silico analysis. Based on the available evidence, the clinical significance of this variant remains unclear.